The following is an entry in ClinVar:

NM_001164508.2(NEB):c.18692C>T (p.Ala6231Val)

Gene: NEB (nebulin; minus strand). Cytogenetic location: 2q23.3.
Variant type: single nucleotide variant.
Coding change: c.18692C>T on transcript NM_001164508.2 (MANE Select); coding-DNA position 18692, C replaced by T.
Protein change: p.Ala6231Val; replaces alanine 6231 with valine.
Molecular consequence: missense variant.
Genome position (GRCh38, 1-based): chr2:151,563,607, G>A on the plus strand (C>T on the coding strand, the complement: NEB is on the minus strand). VCF-style: chr2-151563607-G-A. GRCh37 (hg19) VCF-style: chr2-152420121-G-A.
Other names: c.13589C>T (NM_004543.4); c.18692C>T, p.Ala6231Val (NM_001164507.2, NM_001271208.2); c.13589C>T, p.Ala4530Val (NM_004543.5); short protein forms A6231V, A4530V.
Identifiers: ClinVar variation 257775 (VCV000257775.17), dbSNP rs375357016, ClinGen allele CA1907890.

ClinVar aggregate classification (germline): Conflicting classifications of pathogenicity. Review status: criteria provided, conflicting classifications (1 of 4 stars). 4 submissions from 4 submitters: Uncertain significance (1); Likely benign (2). 1 of the submissions does not count toward it. Last evaluated 2025-11-18.

Conditions:
NEB-related disorder. Also called: NEB-related condition; NEB-Related Disorders.
Nemaline myopathy 2 (NEM2). Also called: Nemaline myopathy 2, autosomal recessive. Identifiers: MedGen C1850569, MONDO:0009725, OMIM 256030.
Inborn genetic diseases. Identifiers: MedGen C0950123, MeSH D030342.

Allele frequency attached by ClinVar (database versions not stated): TOPMed 0.00003; ExAC 0.00004; ESP Exome Variant Server 0.00008.
gnomAD v4.1: 43 of 1,611,152 alleles (0.0027%); highest among the groups gnomAD compares: Middle Eastern, 0.016%; no homozygotes.

Submissions (4):

Labcorp Genetics (formerly Invitae), Labcorp
Classification: Likely benign for Nemaline myopathy 2. Last evaluated: 2025-11-18. Review status: criteria provided, single submitter. Criteria: Invitae Variant Classification Sherloc (09022015). Collection method: clinical testing. Allele origin: germline.

Ambry Genetics
Classification: Likely benign for Inborn genetic diseases. Last evaluated: 2023-03-06. Review status: criteria provided, single submitter. Criteria: Ambry Variant Classification Scheme 2023. Collection method: clinical testing. Allele origin: germline.

Revvity Omics, Revvity
Classification: Uncertain significance. Last evaluated: 2020-03-06. Review status: criteria provided, single submitter. Criteria: ACMG Guidelines, 2015. Collection method: clinical testing. Allele origin: germline.

PreventionGenetics, part of Exact Sciences
Classification: Likely benign for NEB-related condition. Last evaluated: 2019-06-11. Review status: no assertion criteria provided. Collection method: clinical testing. Allele origin: germline. Not counted in ClinVar's aggregate classification.
Comment: This variant is classified as likely benign based on ACMG/AMP sequence variant interpretation guidelines (Richards et al. 2015 PMID: 25741868, with internal and published modifications).